The following is an entry in ClinVar:

ClinVar aggregate classification (germline): Uncertain significance (1 of 4 stars; one submission).

Conditions:
Immunodeficiency 104. Also called: SCID, AUTOSOMAL RECESSIVE, T CELL-NEGATIVE, B CELL-POSITIVE, NK CELL-POSITIVE; Severe Combined Immune Deficiency, Autosomal Recessive, TCell -Negative, B Cell-Positive, NK Cell-Positive, IL7R-Related; IMMUNODEFICIENCY 104, SEVERE COMBINED; Severe combined immunodeficiency, autosomal recessive, T cell-negative, B cell-positive, NK cell-positive. Identifiers: MedGen C5676890, MONDO:0012163, OMIM 608971.

Submission:

Labcorp Genetics (formerly Invitae), Labcorp
Classification: Uncertain significance for Immunodeficiency 104. Last evaluated: 2021-09-02. Review status: criteria provided, single submitter. Criteria: Invitae Variant Classification Sherloc (09022015). Collection method: clinical testing. Allele origin: germline.
Comment: This sequence change replaces alanine with glycine at codon 1073 of the PTPRC protein (p.Ala1073Gly). The alanine residue is highly conserved and there is a small physicochemical difference between alanine and glycine. This variant is not present in population databases (ExAC no frequency). This variant has not been reported in the literature in individuals affected with PTPRC-related conditions. Algorithms developed to predict the effect of missense changes on protein structure and function (SIFT, PolyPhen-2, Align-GVGD) all suggest that this variant is likely to be disruptive. Algorithms developed to predict the effect of sequence changes on RNA splicing suggest that this variant may create or strengthen a splice site. In summary, the available evidence is currently insufficient to determine the role of this variant in disease. Therefore, it has been classified as a Variant of Uncertain Significance.

NM_002838.5(PTPRC):c.3218C>G (p.Ala1073Gly)

Gene: PTPRC (protein tyrosine phosphatase receptor type C; plus strand). Cytogenetic location: 1q32.1.
Variant type: single nucleotide variant.
Coding change: c.3218C>G on transcript NM_002838.5 (MANE Select); coding-DNA position 3218, C replaced by G.
Protein change: p.Ala1073Gly; replaces alanine 1073 with glycine.
Molecular consequence: missense variant.
Genome position (GRCh38, 1-based): chr1:198,752,259, C>G. VCF-style: chr1-198752259-C-G. GRCh37 (hg19) VCF-style: chr1-198721388-C-G.
Other names: c.2735C>G, p.Ala912Gly (NM_080921.4); short protein forms A912G, A1073G.
Identifiers: ClinVar variation 1489391 (VCV001489391.5), dbSNP rs2102546849, ClinGen allele CA344054243.